The following is an entry in ClinVar:

NM_000929.3(PLA2G5):c.386_396del (p.Tyr129fs)

Gene: PLA2G5 (phospholipase A2 group V; plus strand). Cytogenetic location: 1p36.13.
Variant type: Deletion.
Coding change: c.386_396del on transcript NM_000929.3 (MANE Select); coding-DNA positions 386 to 396, 11 bases deleted (ACCAATACTTT).
Protein change: p.Tyr129fs; shifts the reading frame from tyrosine 129.
Molecular consequence: frameshift variant.
Genome position (GRCh38, 1-based): chr1:20,090,661-20,090,671, ACCAATACTTT deleted; deleting any 11 consecutive bases within chr1:20,090,660-20,090,671 gives the same sequence; the c. name uses the placement nearest the transcript's 3' end. VCF-style (leftmost placement, unchanged base first): chr1-20090659-GTACCAATACTT-G. GRCh37 (hg19) VCF-style: chr1-20417152-GTACCAATACTT-G.
Other names: short protein forms Y129fs.
Identifiers: ClinVar variation 3722654 (VCV003722654.2).

ClinVar aggregate classification (germline): Uncertain significance (1 of 4 stars; one submission).

Submission:

Labcorp Genetics (formerly Invitae), Labcorp
Classification: Uncertain significance. Last evaluated: 2025-09-02. Review status: criteria provided, single submitter. Criteria: Invitae Variant Classification Sherloc (09022015). Collection method: clinical testing. Allele origin: germline.
Comment: This sequence change is expected to alter the c-terminus of the PLA2G5 protein (p.Tyr129Serfs*35). While this is not anticipated to result in nonsense mediated decay, it is expected to disrupt the last 10 amino acid(s) of the PLA2G5 protein and extend the protein by 24 additional amino acid residues. This variant is not present in population databases (gnomAD no frequency). This variant has not been reported in the literature in individuals affected with PLA2G5-related conditions. ClinVar contains an entry for this variant (Variation ID: 3722654). Experimental studies and prediction algorithms are not available or were not evaluated, and the functional significance of this variant is currently unknown. In summary, the available evidence is currently insufficient to determine the role of this variant in disease. Therefore, it has been classified as a Variant of Uncertain Significance.